The following is an entry in ClinVar:

ClinVar aggregate classification (germline): Uncertain significance (1 of 4 stars; one submission).

Submission:

Labcorp Genetics (formerly Invitae), Labcorp
Classification: Uncertain significance. Last evaluated: 2022-09-10. Review status: criteria provided, single submitter. Criteria: Invitae Variant Classification Sherloc (09022015). Collection method: clinical testing. Allele origin: germline.
Comment: In summary, the available evidence is currently insufficient to determine the role of this variant in disease. Therefore, it has been classified as a Variant of Uncertain Significance. Experimental studies and prediction algorithms are not available or were not evaluated, and the functional significance of this variant is currently unknown. This variant has not been reported in the literature in individuals affected with UMOD-related conditions. This variant is not present in population databases (gnomAD no frequency). This variant, c.725_736del, results in the deletion of 4 amino acid(s) of the UMOD protein (p.Ile242_Arg245del), but otherwise preserves the integrity of the reading frame.

NM_003361.4(UMOD):c.725_736del (p.Ile242_Arg245del)

Gene: UMOD (uromodulin; minus strand). Cytogenetic location: 16p12.3.
Variant type: Deletion.
Coding change: c.725_736del on transcript NM_003361.4 (MANE Select); coding-DNA positions 725 to 736, 12 bases deleted (TCGTGAGCCGCA).
Protein change: p.Ile242_Arg245del.
Molecular consequence: inframe deletion. On other transcripts: non-coding transcript variant (1).
Genome position (GRCh38, 1-based): chr16:20,348,565-20,348,576, TGCGGCTCACGA deleted on the plus strand (TCGTGAGCCGCA on the coding strand, the reverse complement: UMOD is on the minus strand); deleting any 12 consecutive bases within chr16:20,348,565-20,348,579 gives the same sequence; the c. name uses the placement nearest the transcript's 3' end. VCF-style (leftmost placement, unchanged base first): chr16-20348564-TTGCGGCTCACGA-T. GRCh37 (hg19) VCF-style: chr16-20359886-TTGCGGCTCACGA-T.
Other names: c.725_736del, p.Ile242_Arg245del (NM_001008389.3, NM_001378232.1, NM_001378233.1 and 3 more transcripts); c.824_835del, p.Ile275_Arg278del (NM_001278614.2).
Identifiers: ClinVar variation 2124130 (VCV002124130.4), dbSNP rs2507386560, ClinGen allele CA2580090849.
Genomic context (GRCh38, chr16:20,348,564, plus strand): 5'-GCCTTCACCTGGACGGACGCATCCCACAGGCAGCAGTGGCCGCTCCAGTGCGCGCAGGCC[TTGCGGCTCACGA>T]TGCCCTCGTCGCTGGACGGATGCGTGCCATTGAGCCACATGGGGGCGGCCGTGTTGCAGC-3'